The following is an entry in ClinVar:

NM_198578.4(LRRK2):c.5417C>T (p.Thr1806Ile)

Gene: LRRK2 (leucine rich repeat kinase 2; plus strand). Cytogenetic location: 12q12.
Variant type: single nucleotide variant.
Coding change: c.5417C>T on transcript NM_198578.4 (MANE Select); coding-DNA position 5417, C replaced by T.
Protein change: p.Thr1806Ile; replaces threonine 1806 with isoleucine.
Molecular consequence: missense variant.
Genome position (GRCh38, 1-based): chr12:40,322,418, C>T. VCF-style: chr12-40322418-C-T. GRCh37 (hg19) VCF-style: chr12-40716220-C-T.
Other names: short protein forms T1806I.
Identifiers: ClinVar variation 1401497 (VCV001401497.6), dbSNP rs201930496, ClinGen allele CA6514441.

ClinVar aggregate classification (germline): Uncertain significance (1 of 4 stars; one submission).

Conditions:
Autosomal dominant Parkinson disease 8. Also called: LRRK2-Related Parkinson Disease; Parkinson disease 8; Parkinson disease 8, susceptibility to. Identifiers: Orphanet 411602, MedGen C1846862, MONDO:0011764, OMIM 607060.

Allele frequency attached by ClinVar (database versions not stated): gnomAD exomes below 0.00001; TOPMed below 0.00001; ExAC 0.00001.
gnomAD v4.1: 4 of 1,613,276 alleles (0.00025%); highest among the groups gnomAD compares: South Asian, 0.0011%; no homozygotes.

Submission:

Labcorp Genetics (formerly Invitae), Labcorp
Classification: Uncertain significance for Autosomal dominant Parkinson disease 8. Last evaluated: 2024-12-28. Review status: criteria provided, single submitter. Criteria: Invitae Variant Classification Sherloc (09022015). Collection method: clinical testing. Allele origin: germline.
Comment: This sequence change replaces threonine, which is neutral and polar, with isoleucine, which is neutral and non-polar, at codon 1806 of the LRRK2 protein (p.Thr1806Ile). This variant is present in population databases (rs201930496, gnomAD 0.0009%). This missense change has been observed in individual(s) with ataxia and dementia (PMID: 25133958). ClinVar contains an entry for this variant (Variation ID: 1401497). Invitae Evidence Modeling of protein sequence and biophysical properties (such as structural, functional, and spatial information, amino acid conservation, physicochemical variation, residue mobility, and thermodynamic stability) has been performed for this missense variant. However, the output from this modeling did not meet the statistical confidence thresholds required to predict the impact of this variant on LRRK2 protein function. In summary, the available evidence is currently insufficient to determine the role of this variant in disease. Therefore, it has been classified as a Variant of Uncertain Significance.

Literature cited by the submitters: PubMed 25133958.